The following is an entry in ClinVar:

ClinVar aggregate classification (germline): Uncertain significance (1 of 4 stars; one submission).

Submission:

GeneDx
Classification: Uncertain significance. Last evaluated: 2023-02-21. Review status: criteria provided, single submitter. Criteria: GeneDx Variant Classification Process June 2021. Collection method: clinical testing. Allele origin: germline. Affected: yes.
Comment: Not observed at significant frequency in large population cohorts (gnomAD); Frameshift variant predicted to result in protein truncation or nonsense mediated decay in a gene or region of a gene for which loss of function is not a well-established mechanism of disease; Has not been previously published as pathogenic or benign to our knowledge; Variants in candidate genes are classified as variants of uncertain significance in accordance with ACMG guidelines (Richards et al., 2015)

NM_001470.4(GABBR1):c.1356del (p.Lys452fs)

Gene: GABBR1 (gamma-aminobutyric acid type B receptor subunit 1; minus strand). Cytogenetic location: 6p22.1.
Variant type: Deletion.
Coding change: c.1356del on transcript NM_001470.4 (MANE Select); coding-DNA position 1356, one base deleted (G; older notation c.1356delG).
Protein change: p.Lys452fs; shifts the reading frame from lysine 452.
Molecular consequence: frameshift variant.
Genome position (GRCh38, 1-based): chr6:29,613,453, C deleted on the plus strand (G on the coding strand, the reverse complement: GABBR1 is on the minus strand). VCF-style (leftmost placement, unchanged base first): chr6-29613452-GC-G. GRCh37 (hg19) VCF-style: chr6-29581229-GC-G.
Other names: c.825del, p.Lys275fs (NM_001319053.2); c.1005del, p.Lys335fs (NM_021903.3); c.1170del, p.Lys390fs (NM_021904.4); short protein forms K275fs, K335fs, K390fs, K452fs.
Identifiers: ClinVar variation 2576928 (VCV002576928.1), dbSNP rs2483024304, ClinGen allele CA2580614849.